The following is an entry in ClinVar:

ClinVar aggregate classification (germline): Uncertain significance (1 of 4 stars; one submission).

Conditions:
Dilated cardiomyopathy 1G (CMD1G). Identifiers: Orphanet 154, MedGen C1858763, MONDO:0011400, OMIM 604145.
Autosomal recessive limb-girdle muscular dystrophy type 2J (LGMDR10). Also called: Limb-girdle muscular dystrophy, type 2J; MUSCULAR DYSTROPHY, LIMB-GIRDLE, AUTOSOMAL RECESSIVE 10. Identifiers: Orphanet 140922, MedGen C1837342, MONDO:0012127, OMIM 608807.

Submission:

Labcorp Genetics (formerly Invitae), Labcorp
Classification: Uncertain significance for Dilated cardiomyopathy 1G; Autosomal recessive limb-girdle muscular dystrophy type 2J. Last evaluated: 2021-10-14. Review status: criteria provided, single submitter. Criteria: Invitae Variant Classification Sherloc (09022015). Collection method: clinical testing. Allele origin: germline.
Comment: This variant is located in the M band of TTN (PMID: 25589632). Variants in this region may be relevant for neuromuscular disorders, but have not been definitively shown to cause cardiomyopathy (PMID: 23975875). In summary, the available evidence is currently insufficient to determine the role of this variant in disease. Therefore, it has been classified as a Variant of Uncertain Significance. Experimental studies and prediction algorithms are not available or were not evaluated, and the functional significance of this variant is currently unknown. This variant has not been reported in the literature in individuals affected with TTN-related conditions. This variant is not present in population databases (ExAC no frequency). This sequence change replaces phenylalanine with leucine at codon 35945 of the TTN protein (p.Phe35945Leu). There is a small physicochemical difference between phenylalanine and leucine.

Literature cited by the submitters: PubMed 25589632; PubMed 23975875.

NM_001267550.2(TTN):c.107835C>G (p.Phe35945Leu)

Genes: TTN (titin; minus strand), TTN-AS1 (TTN antisense RNA 1; plus strand). Cytogenetic location: 2q31.2.
Variant type: single nucleotide variant.
Coding change: c.107835C>G on transcript NM_001267550.2 (MANE Select); coding-DNA position 107835, C replaced by G.
Protein change: p.Phe35945Leu; replaces phenylalanine 35945 with leucine.
Molecular consequence: missense variant.
Genome position (GRCh38, 1-based): chr2:178,527,153, G>C on the plus strand (C>G on the coding strand, the complement: TTN is on the minus strand). VCF-style: chr2-178527153-G-C. GRCh37 (hg19) VCF-style: chr2-179391880-G-C.
Other names: c.102912C>G, p.Phe34304Leu (NM_001256850.1); c.80640C>G, p.Phe26880Leu (NM_003319.4); c.100131C>G, p.Phe33377Leu (NM_133378.4); c.81015C>G, p.Phe27005Leu (NM_133432.3); c.81216C>G, p.Phe27072Leu (NM_133437.4); short protein forms F35945L, F26880L, F27005L, F33377L, F27072L, F34304L.
Identifiers: ClinVar variation 1496861 (VCV001496861.6), dbSNP rs2154129860, ClinGen allele CA349398769.